The following is an entry in ClinVar:

ClinVar aggregate classification (germline): Likely benign. Review status: criteria provided, multiple submitters, no conflicts (2 of 4 stars). 2 submissions from 2 submitters: Likely benign (2). Last evaluated 2024-05-24.

Conditions:
Familial cancer of breast. Also called: BREAST CANCER, FAMILIAL; hereditary breast carcinoma; Hereditary breast cancer. Identifiers: Orphanet 227535, MedGen C0346153, MONDO:0016419, OMIM 114480. Disease mechanism: loss of function.
Ataxia-telangiectasia syndrome (AT). Also called: Ataxia-telangiectasia; AT, COMPLEMENTATION GROUP C; LOUIS-BAR SYNDROME; Ataxia telangiectasia (A-T); Cerebello-oculocutaneous telangiectasia; Immunodeficiency with ataxia telangiectasia. Identifiers: Orphanet 100, MedGen C0004135, MONDO:0008840, OMIM 208900.

Allele frequency attached by ClinVar (database versions not stated): gnomAD exomes below 0.00001.
gnomAD v4.1: 2 of 1,613,520 alleles (0.00012%); highest among the groups gnomAD compares: Non-Finnish European, 0.000085%; no homozygotes.

Submissions (2):

Myriad Genetics, Inc.
Classification: Likely benign for Familial cancer of breast. Last evaluated: 2024-05-24. Review status: criteria provided, single submitter. Criteria: Myriad Autosomal Dominant, Autosomal Recessive and X-Linked Classification Criteria (2023). Collection method: clinical testing. Allele origin: unknown.
Comment: This variant is considered likely benign. This variant is intronic and is not expected to impact mRNA splicing.

Labcorp Genetics (formerly Invitae), Labcorp
Classification: Likely benign for Ataxia-telangiectasia syndrome. Last evaluated: 2018-09-03. Review status: criteria provided, single submitter. Criteria: Invitae Variant Classification Sherloc (09022015). Collection method: clinical testing. Allele origin: germline.

NM_000051.4(ATM):c.5674+7T>A

Gene: ATM (ATM serine/threonine kinase; plus strand). Cytogenetic location: 11q22.3.
Variant type: single nucleotide variant.
Coding change: c.5674+7T>A on transcript NM_000051.4 (MANE Select); 7 bases into the intron after coding-DNA position 5674, T replaced by A.
Molecular consequence: intron variant.
Genome position (GRCh38, 1-based): chr11:108,304,859, T>A. VCF-style: chr11-108304859-T-A. GRCh37 (hg19) VCF-style: chr11-108175586-T-A.
Other names: c.5674+7T>A (NM_001351834.2).
Identifiers: ClinVar variation 751182 (VCV000751182.10), dbSNP rs1591718715, ClinGen allele CA915947634.
Genomic context (GRCh38, chr11:108,304,859, plus strand): 5'-TTCGACACTTCTCGCAAACGAGCCGATCCACAACCCCTGCAAACTTGGATTCAGGTATTC[T>A]ATTAAATTTTTAACATTAATACTGTAAACTCAGTTCTAGAGAAAGATGGATTTAAGATGG-3'